The following is an entry in ClinVar:

ClinVar aggregate classification (germline): Benign/Likely benign. Review status: criteria provided, multiple submitters, no conflicts (2 of 4 stars). 8 submissions from 8 submitters: Benign (3); Likely benign (3). 2 of the submissions do not count toward it. Last evaluated 2026-01-26.

Conditions:
Methylcobalamin deficiency type cblE (HMAE). Also called: HOMOCYSTINURIA-MEGALOBLASTIC ANEMIA, cblE TYPE; VITAMIN B12-RESPONSIVE HOMOCYSTINURIA, cblE TYPE; HOMOCYSTINURIA-MEGALOBLASTIC ANEMIA, cblE COMPLEMENTATION TYPE. Identifiers: Orphanet 2169, Orphanet 622, MedGen C1856057, MONDO:0009354, OMIM 236270.
MTRR-related disorder. Also called: MTRR-related condition.
Disorders of Intracellular Cobalamin Metabolism. Identifiers: MedGen CN043592.

Allele frequency attached by ClinVar (database versions not stated): gnomAD exomes 0.00118; ExAC 0.00137; 1000 Genomes Project 30x 0.00375; 1000 Genomes Project 0.00399; gnomAD 0.00457 and 0.00500; ESP Exome Variant Server 0.00500; TOPMed 0.00570.
gnomAD v4.1: 1,475 of 1,605,996 alleles (0.092%); highest among the groups gnomAD compares: African/African-American, 1.8%; 11 homozygotes.

Submissions (8):

Labcorp Genetics (formerly Invitae), Labcorp
Classification: Benign for Methylcobalamin deficiency type cblE. Last evaluated: 2026-01-26. Review status: criteria provided, single submitter. Criteria: Invitae Variant Classification Sherloc (09022015). Collection method: clinical testing. Allele origin: germline.

ARUP Laboratories, Molecular Genetics and Genomics, ARUP Laboratories
Classification: Benign. Last evaluated: 2025-06-03. Review status: criteria provided, single submitter. Criteria: ARUP Molecular Germline Variant Investigation Process 2024. Collection method: clinical testing. Allele origin: germline.

Blueprint Genetics
Classification: Likely benign. Last evaluated: 2024-10-02. Review status: criteria provided, single submitter. Criteria: ACMG Guidelines, 2015. Collection method: clinical testing. Allele origin: germline.

Illumina Laboratory Services, Illumina
Classification: Benign for Disorders of Intracellular Cobalamin Metabolism. Last evaluated: 2018-01-12. Review status: criteria provided, single submitter. Criteria: ICSL Variant Classification Criteria 13 December 2019. Collection method: clinical testing. Allele origin: germline.
Comment: This variant was observed in the ICSL laboratory as part of a predisposition screen in an ostensibly healthy population. It had not been previously curated by ICSL or reported in the Human Gene Mutation Database (HGMD: prior to June 1st, 2018), and was therefore a candidate for classification through an automated scoring system. Utilizing variant allele frequency, disease prevalence and penetrance estimates, and inheritance mode, an automated score was calculated to assess if this variant is too frequent to cause the disease. Based on the score and internal cut-off values, a variant classified as benign is not then subjected to further curation. The score for this variant resulted in a classification of benign for this disease.

GeneDx
Classification: Likely benign. Last evaluated: 2017-12-26. Review status: criteria provided, single submitter. Criteria: GeneDx Variant Classification (06012015). Collection method: clinical testing. Allele origin: germline. Affected: yes.
Comment: This variant is considered likely benign or benign based on one or more of the following criteria: it is a conservative change, it occurs at a poorly conserved position in the protein, it is predicted to be benign by multiple in silico algorithms, and/or has population frequency not consistent with disease.

Breakthrough Genomics
Classification: Likely benign. Review status: criteria provided, single submitter. Criteria: ACMG Guidelines, 2015. Collection method: not provided. Allele origin: germline. Inheritance: Autosomal recessive inheritance. Affected: yes.

PreventionGenetics, part of Exact Sciences
Classification: Benign for MTRR-related condition. Last evaluated: 2024-02-07. Review status: no assertion criteria provided. Collection method: clinical testing. Allele origin: germline. Not counted in ClinVar's aggregate classification.
Comment: This variant is classified as benign based on ACMG/AMP sequence variant interpretation guidelines (Richards et al. 2015 PMID: 25741868, with internal and published modifications).

Natera, Inc.
Classification: Likely benign for CblE complementation type homocystinuria-megaloblastic anemia due to defect in cobalamin metabolism. Last evaluated: 2019-12-04. Review status: no assertion criteria provided. Collection method: clinical testing. Allele origin: germline. Not counted in ClinVar's aggregate classification.

NM_002454.3(MTRR):c.288C>T (p.Leu96=)

Gene: MTRR (5-methyltetrahydrofolate-homocysteine methyltransferase reductase; plus strand). Cytogenetic location: 5p15.31.
Variant type: single nucleotide variant.
Coding change: c.288C>T on transcript NM_002454.3 (MANE Select); coding-DNA position 288, C replaced by T.
Protein change: p.Leu96=; no amino-acid change (leucine 96 retained).
Molecular consequence: synonymous variant. On other transcripts: non-coding transcript variant (14).
Genome position (GRCh38, 1-based): chr5:7,875,262, C>T. VCF-style: chr5-7875262-C-T. GRCh37 (hg19) VCF-style: chr5-7875375-C-T.
Other names: c.288C>T, p.Leu96= (NM_001364440.2, NM_001364441.2, NM_001364442.2 and 1 more transcripts).
Identifiers: ClinVar variation 382405 (VCV000382405.34), dbSNP rs35587995, ClinGen allele CA3195557.